The following is an entry in ClinVar:

NC_000004.11:g.(?_652721)_(656427_?)del

Gene: PDE6B (phosphodiesterase 6B; plus strand). Cytogenetic location: 4p16.3.
Variant type: Deletion.
Identifiers: ClinVar variation 1076460 (VCV001076460.1).

ClinVar aggregate classification (germline): Pathogenic (1 of 4 stars; one submission).

Submission:

Labcorp Genetics (formerly Invitae), Labcorp
Classification: Pathogenic. Last evaluated: 2020-09-11. Review status: criteria provided, single submitter. Criteria: Invitae Variant Classification Sherloc (09022015). Collection method: clinical testing. Allele origin: germline.
Comment: This variant is an out-of-frame deletion of the genomic region encompassing exon(s) 11-14 of the PDE6B gene. This is expected to create a premature translational stop signal and result in an absent or disrupted protein product. This variant has not been reported in the literature in individuals with PDE6B-related conditions. Loss-of-function variants in PDE6B are known to be pathogenic (PMID: 8394174, 8595886, 22334370). For these reasons, this variant has been classified as Pathogenic.

Literature cited by the submitters: PubMed 8394174; PubMed 8595886; PubMed 22334370.